The following is an entry in ClinVar:

NM_212552.3(BOLA3):c.131T>G (p.Phe44Cys)

Gene: BOLA3 (bolA family member 3; minus strand). Cytogenetic location: 2p13.1.
Variant type: single nucleotide variant.
Coding change: c.131T>G on transcript NM_212552.3 (MANE Select); coding-DNA position 131, T replaced by G.
Protein change: p.Phe44Cys; replaces phenylalanine 44 with cysteine.
Molecular consequence: missense variant.
Genome position (GRCh38, 1-based): chr2:74,145,227, A>C on the plus strand (T>G on the coding strand, the complement: BOLA3 is on the minus strand). VCF-style: chr2-74145227-A-C. GRCh37 (hg19) VCF-style: chr2-74372354-A-C.
Other names: c.131T>G, p.Phe44Cys (NM_001035505.2); short protein forms F44C.
Identifiers: ClinVar variation 1029540 (VCV001029540.1), dbSNP rs1692522564, ClinGen allele CA347312417.

ClinVar aggregate classification (germline): Uncertain significance (1 of 4 stars; one submission).

Conditions:
Multiple mitochondrial dysfunctions syndrome 2 (MMDS2). Also called: MULTIPLE MITOCHONDRIAL DYSFUNCTIONS SYNDROME 2 WITH HYPERGLYCINEMIA. Identifiers: Orphanet 401874, MedGen C3280378, MONDO:0013675, OMIM 614299.

Submission:

Baylor Genetics
Classification: Uncertain significance for Multiple mitochondrial dysfunctions syndrome 2. Last evaluated: 2019-02-26. Review status: criteria provided, single submitter. Criteria: ACMG Guidelines, 2015. Collection method: clinical testing. Allele origin: paternal. Affected: yes.
Comment: This variant was determined to be of uncertain significance according to ACMG Guidelines, 2015 [PMID:25741868].